The following is an entry in ClinVar:

NC_012920.1(MT-CYB):m.15470T>C

Gene: MT-CYB (mitochondrially encoded cytochrome b; plus strand).
Variant type: single nucleotide variant.
Genome position: chrM-15470-T-C.
Identifiers: ClinVar variation 143892 (VCV000143892.4), dbSNP rs527236187, ClinGen allele CA270617.

ClinVar aggregate classification (germline): Benign. Review status: criteria provided, single submitter (1 of 4 stars). 2 submissions from 2 submitters: Benign (1). 1 of the submissions does not count toward it. Last evaluated 2015-09-17.

Conditions:
Familial cancer of breast. Also called: BREAST CANCER, FAMILIAL; Hereditary breast cancer; hereditary breast carcinoma. Identifiers: Orphanet 227535, MedGen C0346153, MONDO:0016419, OMIM 114480. Disease mechanism: loss of function.

Submissions (2):

Center for Pediatric Genomic Medicine, Children's Mercy Hospital and Clinics
Classification: Benign. Last evaluated: 2015-09-17. Review status: criteria provided, single submitter. Criteria: ACMG Guidelines, 2015. Collection method: clinical testing. Allele origin: germline.

Department of Zoology Govt. MVM College
Classification: Likely pathogenic for Familial cancer of breast. Review status: no assertion criteria provided. Collection method: not provided. Allele origin: unknown. Not counted in ClinVar's aggregate classification.
Comment: KM276982
ClinVar note: Converted during submission from probable-pathogenic to Likely pathogenic.